The following is an entry in ClinVar:

ClinVar aggregate classification (germline): Uncertain significance (1 of 4 stars; one submission).

Conditions:
Wilms tumor 1 (WT1). Also called: Wilms tumor, somatic. Identifiers: Orphanet 654, MedGen CN033288, MONDO:0008679, OMIM 194070.

Submission:

Labcorp Genetics (formerly Invitae), Labcorp
Classification: Uncertain significance for Wilms tumor 1. Last evaluated: 2025-01-29. Review status: criteria provided, single submitter. Criteria: Invitae Variant Classification Sherloc (09022015). Collection method: clinical testing. Allele origin: germline.
Comment: This sequence change replaces lysine, which is basic and polar, with glutamic acid, which is acidic and polar, at codon 467 of the GPC3 protein (p.Lys467Glu). This variant is not present in population databases (gnomAD no frequency). This variant has not been reported in the literature in individuals affected with GPC3-related conditions. Invitae Evidence Modeling of protein sequence and biophysical properties (such as structural, functional, and spatial information, amino acid conservation, physicochemical variation, residue mobility, and thermodynamic stability) has been performed for this missense variant. However, the output from this modeling did not meet the statistical confidence thresholds required to predict the impact of this variant on GPC3 protein function. In summary, the available evidence is currently insufficient to determine the role of this variant in disease. Therefore, it has been classified as a Variant of Uncertain Significance.

NM_004484.4(GPC3):c.1399A>G (p.Lys467Glu)

Gene: GPC3 (glypican 3; minus strand). Cytogenetic location: Xq26.2.
Variant type: single nucleotide variant.
Coding change: c.1399A>G on transcript NM_004484.4 (MANE Select); coding-DNA position 1399, A replaced by G.
Protein change: p.Lys467Glu; replaces lysine 467 with glutamic acid.
Molecular consequence: missense variant.
Genome position (GRCh38, 1-based): chrX:133,661,744, T>C on the plus strand (A>G on the coding strand, the complement: GPC3 is on the minus strand). VCF-style: chrX-133661744-T-C. GRCh37 (hg19) VCF-style: chrX-132795772-T-C.
Other names: c.1468A>G, p.Lys490Glu (NM_001164617.2); c.1351A>G, p.Lys451Glu (NM_001164618.2); c.1237A>G, p.Lys413Glu (NM_001164619.2); short protein forms K413E, K490E, K451E, K467E.
Identifiers: ClinVar variation 3657861 (VCV003657861.2).